The following is an entry in ClinVar:

ClinVar aggregate classification (germline): Uncertain significance (1 of 4 stars; one submission).

Allele frequency attached by ClinVar (database versions not stated): gnomAD exomes below 0.00001 and 0.00001; TOPMed below 0.00001; ExAC 0.00001.
gnomAD v4.1: 1 of 1,612,202 alleles (0.000062%); highest among the groups gnomAD compares: East Asian, 0.0022%; no homozygotes.

Submission:

Labcorp Genetics (formerly Invitae), Labcorp
Classification: Uncertain significance. Last evaluated: 2021-11-23. Review status: criteria provided, single submitter. Criteria: Invitae Variant Classification Sherloc (09022015). Collection method: clinical testing. Allele origin: germline.
Comment: This sequence change replaces aspartic acid, which is acidic and polar, with glycine, which is neutral and non-polar, at codon 404 of the CEP250 protein (p.Asp404Gly). This variant is present in population databases (rs751646493, gnomAD 0.01%). This variant has not been reported in the literature in individuals affected with CEP250-related conditions. Algorithms developed to predict the effect of missense changes on protein structure and function output the following: SIFT: "Not Available"; PolyPhen-2: "Benign"; Align-GVGD: "Not Available". The glycine amino acid residue is found in multiple mammalian species, which suggests that this missense change does not adversely affect protein function. In summary, the available evidence is currently insufficient to determine the role of this variant in disease. Therefore, it has been classified as a Variant of Uncertain Significance.

NM_007186.6(CEP250):c.1211A>G (p.Asp404Gly)

Genes: CEP250 (centrosomal protein 250; plus strand), CEP250-AS1 (CEP250 antisense RNA 1; minus strand). Cytogenetic location: 20q11.22.
Variant type: single nucleotide variant.
Coding change: c.1211A>G on transcript NM_007186.6 (MANE Select); coding-DNA position 1211, A replaced by G.
Protein change: p.Asp404Gly; replaces aspartic acid 404 with glycine.
Molecular consequence: missense variant. On other transcripts: 5 prime UTR variant (1).
Genome position (GRCh38, 1-based): chr20:35,473,375, A>G. VCF-style: chr20-35473375-A-G. GRCh37 (hg19) VCF-style: chr20-34061200-A-G.
Other names: c.-689A>G (NM_001318219.1); short protein forms D404G.
Identifiers: ClinVar variation 1394759 (VCV001394759.6), dbSNP rs751646493, ClinGen allele CA9832861.